The following is an entry in ClinVar:

ClinVar aggregate classification (germline): Conflicting classifications of pathogenicity. Review status: criteria provided, conflicting classifications (1 of 4 stars). 8 submissions from 8 submitters: Uncertain significance (7); Likely benign (1). Last evaluated 2026-03-11.

Conditions:
Hereditary pheochromocytoma and paraganglioma. Also called: Hereditary paragangliomas and pheochromocytomas; Hereditary pheochromocytoma-paraganglioma; Hereditary Paraganglioma-Pheochromocytoma Syndromes. Identifiers: Orphanet 29072, MedGen C4274332, MONDO:0017366.
Pheochromocytoma/paraganglioma syndrome 4. Also called: PARAGANGLIOMA, FAMILIAL MALIGNANT; PARAGANGLIOMAS, HEREDITARY EXTRAADRENAL; PHEOCHROMOCYTOMA, FAMILIAL EXTRAADRENAL; SDHB-Related Hereditary Paraganglioma-Pheochromocytoma Syndrome (Paragangliomas 4); SDHB-Related Hereditary Paraganglioma-Pheochromocytoma Syndrome; CAROTID BODY TUMORS AND MULTIPLE EXTRAADRENAL PHEOCHROMOCYTOMAS. Identifiers: Orphanet 29072, MedGen C1861848, MONDO:0007273, OMIM 115310.
Pheochromocytoma. Also called: MAX-Related Hereditary Paraganglioma-Pheochromocytoma Syndrome. Identifiers: Orphanet 29072, MedGen C0031511, MONDO:0008233, OMIM 171300, HP:0002666.
Gastrointestinal stromal tumor. Also called: Gastrointestinal stromal tumor, somatic; Gastrointestinal stroma tumor. Identifiers: Orphanet 44890, MedGen C0238198, MeSH D046152, MONDO:0011719, OMIM 606764, HP:0100723.
Hereditary cancer-predisposing syndrome. Also called: Hereditary neoplastic syndrome; Tumor predisposition; Neoplastic Syndromes, Hereditary; Hereditary Cancer Syndrome. Identifiers: Orphanet 140162, MedGen C0027672, MeSH D009386, MONDO:0015356.

Allele frequency attached by ClinVar (database versions not stated): gnomAD exomes below 0.00001 and 0.00001; TOPMed below 0.00001.
gnomAD v4.1: 14 of 1,614,062 alleles (0.00087%); highest among the groups gnomAD compares: Middle Eastern, 0.016%; no homozygotes.

Submissions (8):

Ambry Genetics
Classification: Uncertain significance for Hereditary cancer-predisposing syndrome. Last evaluated: 2026-03-11. Review status: criteria provided, single submitter. Criteria: Ambry Variant Classification Scheme 2023. Collection method: clinical testing. Allele origin: germline.
Comment: The c.177G>C (p.Q59H) alteration is located in exon 2 (coding exon 2) of the SDHB gene. This alteration results from a G to C substitution at nucleotide position 177, causing the glutamine (Q) at amino acid position 59 to be replaced by a histidine (H). Based on data from gnomAD, the C allele has an overall frequency of <0.001% (1/251348) total alleles studied. The highest observed frequency was 0.001% (1/113648) of European (non-Finnish) alleles. Based on insufficient or conflicting evidence, the clinical significance of this alteration remains unclear.

Center for Genomic Medicine, Rigshospitalet, Copenhagen University Hospital
Classification: Uncertain significance. Last evaluated: 2025-12-29. Review status: criteria provided, single submitter. Criteria: ACMG Guidelines, 2015. Collection method: clinical testing. Allele origin: germline.

Labcorp Genetics (formerly Invitae), Labcorp
Classification: Uncertain significance for Gastrointestinal stromal tumor; Pheochromocytoma/paraganglioma syndrome 4; Pheochromocytoma. Last evaluated: 2025-12-23. Review status: criteria provided, single submitter. Criteria: Invitae Variant Classification Sherloc (09022015). Collection method: clinical testing. Allele origin: germline.
Comment: This sequence change replaces glutamine, which is neutral and polar, with histidine, which is basic and polar, at codon 59 of the SDHB protein (p.Gln59His). This variant is not present in population databases (gnomAD no frequency). This variant has not been reported in the literature in individuals affected with SDHB-related conditions. ClinVar contains an entry for this variant (Variation ID: 528749). Invitae Evidence Modeling of protein sequence and biophysical properties (such as structural, functional, and spatial information, amino acid conservation, physicochemical variation, residue mobility, and thermodynamic stability) has been performed for this missense variant. However, the output from this modeling did not meet the statistical confidence thresholds required to predict the impact of this variant on SDHB protein function. In summary, the available evidence is currently insufficient to determine the role of this variant in disease. Therefore, it has been classified as a Variant of Uncertain Significance.

Mayo Clinic Laboratories, Mayo Clinic
Classification: Uncertain significance. Last evaluated: 2024-07-17. Review status: criteria provided, single submitter. Criteria: ACMG Guidelines, 2015. Collection method: clinical testing. Allele origin: germline. Observed: 1 variant allele.
Comment: PM2

Revvity Omics, Revvity
Classification: Uncertain significance. Last evaluated: 2024-03-13. Review status: criteria provided, single submitter. Criteria: ACMG Guidelines, 2015. Collection method: clinical testing. Allele origin: germline.

Blueprint Genetics
Classification: Likely benign. Last evaluated: 2023-06-19. Review status: criteria provided, single submitter. Criteria: ACMG Guidelines, 2015. Collection method: clinical testing. Allele origin: germline.

All of Us Research Program, National Institutes of Health
Classification: Uncertain significance for Hereditary pheochromocytoma and paraganglioma. Last evaluated: 2023-03-28. Review status: criteria provided, single submitter. Criteria: ACMG Guidelines, 2015. Collection method: clinical testing. Allele origin: germline. Inheritance: Autosomal dominant inheritance. Observed: 1 variant allele, 1 heterozygote.
Comment: This study involves interpretation of variants in research participants for the purpose of population health screening. Participant phenotype was not available at the time of variant classification. Additional details can be found in publication PMID: 35346344, PMCID: PMC8962531

GeneDx
Classification: Uncertain significance. Last evaluated: 2023-02-16. Review status: criteria provided, single submitter. Criteria: GeneDx Variant Classification Process June 2021. Collection method: clinical testing. Allele origin: germline. Affected: yes.
Comment: Not observed at significant frequency in large population cohorts (gnomAD); In silico analysis supports that this missense variant has a deleterious effect on protein structure/function; Observed in an individual with acute lymphocytic leukemia (Douglas et al., 2022); This variant is associated with the following publications: (PMID: 35739278, 32258011)

Literature cited by the submitters: PubMed 35739278 (cited by Mayo Clinic Laboratories, Mayo Clinic).

NM_003000.3(SDHB):c.177G>C (p.Gln59His)

Gene: SDHB (succinate dehydrogenase complex iron sulfur subunit B; minus strand). Cytogenetic location: 1p36.13.
Variant type: single nucleotide variant.
Coding change: c.177G>C on transcript NM_003000.3 (MANE Select); coding-DNA position 177, G replaced by C.
Protein change: p.Gln59His; replaces glutamine 59 with histidine.
Molecular consequence: missense variant.
Genome position (GRCh38, 1-based): chr1:17,044,784, C>G on the plus strand (G>C on the coding strand, the complement: SDHB is on the minus strand). VCF-style: chr1-17044784-C-G. GRCh37 (hg19) VCF-style: chr1-17371279-C-G.
Other names: p.Gln59His; short protein forms Q59H.
Identifiers: ClinVar variation 528749 (VCV000528749.20), dbSNP rs1277374324, ClinGen allele CA338227782.